The following is an entry in ClinVar:

NM_000051.4(ATM):c.2386A>G (p.Asn796Asp)

Gene: ATM (ATM serine/threonine kinase; plus strand). Cytogenetic location: 11q22.3.
Variant type: single nucleotide variant.
Coding change: c.2386A>G on transcript NM_000051.4 (MANE Select); coding-DNA position 2386, A replaced by G.
Protein change: p.Asn796Asp; replaces asparagine 796 with aspartic acid.
Molecular consequence: missense variant.
Genome position (GRCh38, 1-based): chr11:108,258,995, A>G. VCF-style: chr11-108258995-A-G. GRCh37 (hg19) VCF-style: chr11-108129722-A-G.
Other names: c.2386A>G, p.Asn796Asp (NM_001351834.2); short protein forms N796D.
Identifiers: ClinVar variation 2014549 (VCV002014549.1), dbSNP rs201793499, ClinGen allele CA382541048.

ClinVar aggregate classification (germline): Uncertain significance (1 of 4 stars; one submission).

Conditions:
Ataxia-telangiectasia syndrome (AT). Also called: Cerebello-oculocutaneous telangiectasia; Immunodeficiency with ataxia telangiectasia; Ataxia telangiectasia (A-T); LOUIS-BAR SYNDROME; Ataxia-telangiectasia, complementation group D; AT, COMPLEMENTATION GROUP C. Identifiers: Orphanet 100, MedGen C0004135, MONDO:0008840, OMIM 208900.

Submission:

Labcorp Genetics (formerly Invitae), Labcorp
Classification: Uncertain significance for Ataxia-telangiectasia syndrome. Last evaluated: 2022-07-06. Review status: criteria provided, single submitter. Criteria: Invitae Variant Classification Sherloc (09022015). Collection method: clinical testing. Allele origin: germline.
Comment: This sequence change replaces asparagine, which is neutral and polar, with aspartic acid, which is acidic and polar, at codon 796 of the ATM protein (p.Asn796Asp). This variant is not present in population databases (gnomAD no frequency). This variant has not been reported in the literature in individuals affected with ATM-related conditions. Advanced modeling of protein sequence and biophysical properties (such as structural, functional, and spatial information, amino acid conservation, physicochemical variation, residue mobility, and thermodynamic stability) performed at Invitae indicates that this missense variant is not expected to disrupt ATM protein function. In summary, the available evidence is currently insufficient to determine the role of this variant in disease. Therefore, it has been classified as a Variant of Uncertain Significance.